The following is an entry in ClinVar:

NM_001365536.1(SCN9A):c.*1774G>A

Genes: SCN1A-AS1 (SCN1A and SCN9A antisense RNA 1; plus strand), SCN9A (sodium voltage-gated channel alpha subunit 9; minus strand). Cytogenetic location: 2q24.3.
Variant type: single nucleotide variant.
Coding change: c.*1774G>A on transcript NM_001365536.1 (MANE Select); 1774 bases downstream of the stop codon, G replaced by A.
Molecular consequence: 3 prime UTR variant.
Genome position (GRCh38, 1-based): chr2:166,196,898, C>T on the plus strand (G>A on the coding strand, the complement: SCN9A is on the minus strand). VCF-style: chr2-166196898-C-T. GRCh37 (hg19) VCF-style: chr2-167053408-C-T.
Other names: c.*1774G>A (NM_002977.4).
Identifiers: ClinVar variation 331926 (VCV000331926.7), dbSNP rs114843828, ClinGen allele CA10611597.

ClinVar aggregate classification (germline): Benign. Review status: criteria provided, multiple submitters, no conflicts (2 of 4 stars). 4 submissions from 2 submitters: Benign (4). Last evaluated 2018-01-13.

Conditions:
Primary erythromelalgia. Also called: SCN9A Erythromelalgia (SCN9A-EM); primary erythermalgia. Identifiers: Orphanet 306577, Orphanet 90026, MedGen C0014805, MONDO:0007571, OMIM 133020.
Paroxysmal extreme pain disorder (PEXPD). Also called: PAIN, SUBMANDIBULAR, OCULAR, AND RECTAL, WITH FLUSHING; RECTAL PAIN, FAMILIAL; SCN9A Paroxysmal Extreme Pain Disorder (SCN9A-PEPD). Identifiers: Orphanet 46348, MedGen C1833661, MONDO:0008179, OMIM 167400.
Channelopathy-associated congenital insensitivity to pain, autosomal recessive. Also called: Insensitivity to pain, channelopathy-associated; ASYMBOLIA FOR PAIN; CONGENITAL ANALGESIA, AUTOSOMAL RECESSIVE. Identifiers: Orphanet 88642, Orphanet 970, MedGen C1855739, MONDO:0009459, OMIM 243000.

Allele frequency attached by ClinVar (database versions not stated): 1000 Genomes Project 30x 0.03232; 1000 Genomes Project 0.03235; TOPMed 0.06178; gnomAD 0.06441 and 0.06654.

Submissions (4):

Illumina Laboratory Services, Illumina
Classification: Benign for Primary erythromelalgia. Last evaluated: 2018-01-13. Review status: criteria provided, single submitter. Criteria: ICSL Variant Classification Criteria 13 December 2019. Collection method: clinical testing. Allele origin: germline.
Comment: This variant was observed in the ICSL laboratory as part of a predisposition screen in an ostensibly healthy population. It had not been previously curated by ICSL or reported in the Human Gene Mutation Database (HGMD: prior to June 1st, 2018), and was therefore a candidate for classification through an automated scoring system. Utilizing variant allele frequency, disease prevalence and penetrance estimates, and inheritance mode, an automated score was calculated to assess if this variant is too frequent to cause the disease. Based on the score and internal cut-off values, a variant classified as benign is not then subjected to further curation. The score for this variant resulted in a classification of benign for this disease.

Illumina Laboratory Services, Illumina
Classification: Benign for Channelopathy-associated congenital insensitivity to pain, autosomal recessive. Last evaluated: 2018-01-13. Review status: criteria provided, single submitter. Criteria: ICSL Variant Classification Criteria 13 December 2019. Collection method: clinical testing. Allele origin: germline.
Comment: the same text as in the submission from Illumina Laboratory Services, Illumina above.

Illumina Laboratory Services, Illumina
Classification: Benign for Paroxysmal extreme pain disorder. Last evaluated: 2018-01-13. Review status: criteria provided, single submitter. Criteria: ICSL Variant Classification Criteria 13 December 2019. Collection method: clinical testing. Allele origin: germline.
Comment: the same text as in the submission from Illumina Laboratory Services, Illumina above.

Breakthrough Genomics
Classification: Benign. Review status: criteria provided, single submitter. Criteria: ACMG Guidelines, 2015. Collection method: not provided. Allele origin: germline. Inheritance: Autosomal recessive inheritance. Affected: yes.